The following is an entry in ClinVar:

NM_001286.5(CLCN6):c.431C>A (p.Ala144Glu)

Gene: CLCN6 (chloride voltage-gated channel 6; plus strand). Cytogenetic location: 1p36.22.
Variant type: single nucleotide variant.
Coding change: c.431C>A on transcript NM_001286.5 (MANE Select); coding-DNA position 431, C replaced by A.
Protein change: p.Ala144Glu; replaces alanine 144 with glutamic acid.
Molecular consequence: missense variant. On other transcripts: non-coding transcript variant (1).
Genome position (GRCh38, 1-based): chr1:11,822,779, C>A. VCF-style: chr1-11822779-C-A. GRCh37 (hg19) VCF-style: chr1-11882836-C-A.
Other names: c.365C>A, p.Ala122Glu (NM_001256959.2); c.431C>A (NM_001286.2); short protein forms A122E, A144E.
Identifiers: ClinVar variation 1469124 (VCV001469124.9), dbSNP rs1272785471, ClinGen allele CA338427468.

ClinVar aggregate classification (germline): Uncertain significance. Review status: criteria provided, multiple submitters, no conflicts (2 of 4 stars). 2 submissions from 2 submitters: Uncertain significance (2). Last evaluated 2025-02-12.

Allele frequency attached by ClinVar (database versions not stated): gnomAD exomes below 0.00001.

Submissions (2):

Ambry Genetics
Classification: Uncertain significance. Last evaluated: 2025-02-12. Review status: criteria provided, single submitter. Criteria: Ambry Variant Classification Scheme 2023. Collection method: clinical testing. Allele origin: germline.

Labcorp Genetics (formerly Invitae), Labcorp
Classification: Uncertain significance. Last evaluated: 2022-02-05. Review status: criteria provided, single submitter. Criteria: Invitae Variant Classification Sherloc (09022015). Collection method: clinical testing. Allele origin: germline.
Comment: This sequence change replaces alanine, which is neutral and non-polar, with glutamic acid, which is acidic and polar, at codon 144 of the CLCN6 protein (p.Ala144Glu). This variant is present in population databases (no rsID available, gnomAD 0.0009%). This variant has not been reported in the literature in individuals affected with CLCN6-related conditions. Algorithms developed to predict the effect of missense changes on protein structure and function are either unavailable or do not agree on the potential impact of this missense change (SIFT: "Deleterious"; PolyPhen-2: "Possibly Damaging"; Align-GVGD: "Class C0"). In summary, the available evidence is currently insufficient to determine the role of this variant in disease. Therefore, it has been classified as a Variant of Uncertain Significance.